The following is an entry in ClinVar:

ClinVar aggregate classification (germline): Uncertain significance. Review status: criteria provided, multiple submitters, no conflicts (2 of 4 stars). 2 submissions from 2 submitters: Uncertain significance (2). Last evaluated 2024-04-17.

Conditions:
Karyomegalic interstitial nephritis. Identifiers: Orphanet 401996, MedGen C3553774, MONDO:0013898, OMIM 614817.

Allele frequency attached by ClinVar (database versions not stated): TOPMed below 0.00001; gnomAD 0.00001; ExAC 0.00003.
gnomAD v4.1: 24 of 1,614,100 alleles (0.0015%); highest among the groups gnomAD compares: East Asian, 0.053%; no homozygotes.

Submissions (2):

Fulgent Genetics
Classification: Uncertain significance for Karyomegalic interstitial nephritis. Last evaluated: 2024-04-17. Review status: criteria provided, single submitter. Criteria: ACMG Guidelines, 2015. Collection method: clinical testing. Allele origin: germline.

Labcorp Genetics (formerly Invitae), Labcorp
Classification: Uncertain significance. Last evaluated: 2023-11-27. Review status: criteria provided, single submitter. Criteria: Invitae Variant Classification Sherloc (09022015). Collection method: clinical testing. Allele origin: germline.
Comment: This sequence change replaces isoleucine, which is neutral and non-polar, with phenylalanine, which is neutral and non-polar, at codon 355 of the FAN1 protein (p.Ile355Phe). This variant is present in population databases (rs779723852, gnomAD 0.03%). This variant has not been reported in the literature in individuals affected with FAN1-related conditions. Algorithms developed to predict the effect of missense changes on protein structure and function output the following: SIFT: "Not Available"; PolyPhen-2: "Benign"; Align-GVGD: "Not Available". The phenylalanine amino acid residue is found in multiple mammalian species, which suggests that this missense change does not adversely affect protein function. In summary, the available evidence is currently insufficient to determine the role of this variant in disease. Therefore, it has been classified as a Variant of Uncertain Significance.

NM_014967.5(FAN1):c.1063A>T (p.Ile355Phe)

Gene: FAN1 (FANCD2 and FANCI associated nuclease 1; plus strand). Cytogenetic location: 15q13.3.
Variant type: single nucleotide variant.
Coding change: c.1063A>T on transcript NM_014967.5 (MANE Select); coding-DNA position 1063, A replaced by T.
Protein change: p.Ile355Phe; replaces isoleucine 355 with phenylalanine.
Molecular consequence: missense variant.
Genome position (GRCh38, 1-based): chr15:30,905,726, A>T. VCF-style: chr15-30905726-A-T. GRCh37 (hg19) VCF-style: chr15-31197929-A-T.
Other names: c.1063A>T, p.Ile355Phe (NM_001146094.2, NM_001146095.1, NM_001146096.2); short protein forms I355F.
Identifiers: ClinVar variation 2781153 (VCV002781153.4), dbSNP rs779723852, ClinGen allele CA7450179.
Genomic context (GRCh38, chr15:30,905,726, plus strand): 5'-AACATCCAAGAGGCTCCTCTGCAGGATGACAGTTGCTTAAACAATGATATCCCTCACAGC[A>T]TTCCTTTGGAGCAGGGGTCAAGCTGCAATGGTCCTGGTCAAACAACCGGTCATCCTTACT-3'
Protein context (NP_055782.3, residues 345-365): SCLNNDIPHS[Ile355Phe]PLEQGSSCNG